The following is an entry in ClinVar:

ClinVar aggregate classification (germline): Uncertain significance (1 of 4 stars; one submission).

Conditions:
Tuberous sclerosis 1 (TSC1). Identifiers: Orphanet 805, MedGen C1854465, MONDO:0008612, OMIM 191100.

Submission:

Labcorp Genetics (formerly Invitae), Labcorp
Classification: Uncertain significance for Tuberous sclerosis 1. Last evaluated: 2024-01-10. Review status: criteria provided, single submitter. Criteria: Invitae Variant Classification Sherloc (09022015). Collection method: clinical testing. Allele origin: germline.
Comment: This sequence change replaces leucine, which is neutral and non-polar, with glutamine, which is neutral and polar, at codon 161 of the TSC1 protein (p.Leu161Gln). This variant is not present in population databases (gnomAD no frequency). This variant has not been reported in the literature in individuals affected with TSC1-related conditions. Advanced modeling of protein sequence and biophysical properties (such as structural, functional, and spatial information, amino acid conservation, physicochemical variation, residue mobility, and thermodynamic stability) performed at Invitae indicates that this missense variant is not expected to disrupt TSC1 protein function with a negative predictive value of 95%. This variant disrupts the p.Leu161 amino acid residue in TSC1. Other variant(s) that disrupt this residue have been determined to be pathogenic (Invitae). This suggests that this residue is clinically significant, and that variants that disrupt this residue are likely to be disease-causing. In summary, the available evidence is currently insufficient to determine the role of this variant in disease. Therefore, it has been classified as a Variant of Uncertain Significance.

NM_000368.5(TSC1):c.482T>A (p.Leu161Gln)

Gene: TSC1 (TSC complex subunit 1; minus strand). Cytogenetic location: 9q34.13.
Variant type: single nucleotide variant.
Coding change: c.482T>A on transcript NM_000368.5 (MANE Select); coding-DNA position 482, T replaced by A.
Protein change: p.Leu161Gln; replaces leucine 161 with glutamine.
Molecular consequence: missense variant. On other transcripts: 5 prime UTR variant (5), non-coding transcript variant (5).
Genome position (GRCh38, 1-based): chr9:132,923,374, A>T on the plus strand (T>A on the coding strand, the complement: TSC1 is on the minus strand). VCF-style: chr9-132923374-A-T. GRCh37 (hg19) VCF-style: chr9-135798761-A-T.
Other names: c.-612T>A (NM_001406630.1); c.482T>A, p.Leu161Gln (NM_001162426.2, NM_001406592.1, NM_001406593.1 and 16 more transcripts); c.329T>A, p.Leu110Gln (NM_001162427.2, NM_001406610.1, NM_001406611.1 and 2 more transcripts); c.119T>A, p.Leu40Gln (NM_001362177.2, NM_001406614.1, NM_001406615.1 and 10 more transcripts); c.-396T>A (NM_001406626.1, NM_001406627.1, NM_001406628.1); c.-538T>A (NM_001406629.1); short protein forms L40Q, L110Q, L161Q.
Identifiers: ClinVar variation 2708687 (VCV002708687.3), dbSNP rs1846672141, ClinGen allele CA375373216.